The following is an entry in ClinVar:

NM_001098511.3(KIF2A):c.1555G>A (p.Gly519Ser)

Gene: KIF2A (kinesin family member 2A; plus strand). Cytogenetic location: 5q12.1.
Variant type: single nucleotide variant.
Coding change: c.1555G>A on transcript NM_001098511.3 (MANE Select); coding-DNA position 1555, G replaced by A.
Protein change: p.Gly519Ser; replaces glycine 519 with serine.
Molecular consequence: missense variant.
Genome position (GRCh38, 1-based): chr5:62,365,330, G>A. VCF-style: chr5-62365330-G-A. GRCh37 (hg19) VCF-style: chr5-61661157-G-A.
Other names: c.1474G>A, p.Gly492Ser (NM_001243952.2); c.1498G>A, p.Gly500Ser (NM_001243953.2); c.1555G>A, p.Gly519Ser (NM_004520.5); short protein forms G492S, G500S, G519S.
Identifiers: ClinVar variation 3698043 (VCV003698043.2).

ClinVar aggregate classification (germline): Uncertain significance (1 of 4 stars; one submission).

gnomAD v4.1: 29 of 1,592,014 alleles (0.0018%); highest among the groups gnomAD compares: Non-Finnish European, 0.0023%; no homozygotes.

Submission:

Labcorp Genetics (formerly Invitae), Labcorp
Classification: Uncertain significance. Last evaluated: 2024-04-16. Review status: criteria provided, single submitter. Criteria: Invitae Variant Classification Sherloc (09022015). Collection method: clinical testing. Allele origin: germline.
Comment: This sequence change replaces glycine, which is neutral and non-polar, with serine, which is neutral and polar, at codon 519 of the KIF2A protein (p.Gly519Ser). This variant is present in population databases (rs781542903, gnomAD 0.002%). This variant has not been reported in the literature in individuals affected with KIF2A-related conditions. An algorithm developed to predict the effect of missense changes on protein structure and function (PolyPhen-2) suggests that this variant is likely to be disruptive. In summary, the available evidence is currently insufficient to determine the role of this variant in disease. Therefore, it has been classified as a Variant of Uncertain Significance.